The following is an entry in ClinVar:

ClinVar aggregate classification (germline): Uncertain significance. Review status: criteria provided, multiple submitters, no conflicts (2 of 4 stars). 3 submissions from 3 submitters: Uncertain significance (3). Last evaluated 2026-08-08.

Conditions:
Hereditary cancer-predisposing syndrome. Also called: Hereditary neoplastic syndrome; Neoplastic Syndromes, Hereditary; Tumor predisposition; Hereditary Cancer Syndrome. Identifiers: Orphanet 140162, MedGen C0027672, MeSH D009386, MONDO:0015356.
Cardiovascular phenotype. Identifiers: MedGen CN230736.

Submissions (3):

Ambry Genetics
Classification: Uncertain significance for Cardiovascular phenotype; Hereditary cancer-predisposing syndrome. Last evaluated: 2026-08-08. Review status: criteria provided, single submitter. Criteria: Ambry Variant Classification Scheme 2023. Collection method: clinical testing. Allele origin: germline.
Comment: The p.P280S variant (also known as c.838C>T), located in coding exon 9 of the LZTR1 gene, results from a C to T substitution at nucleotide position 838. The proline at codon 280 is replaced by serine, an amino acid with similar properties. This amino acid position is conserved. In addition, this alteration is predicted to be tolerated by in silico analysis. Based on the available evidence, the clinical significance of this variant remains unclear.

Labcorp Genetics (formerly Invitae), Labcorp
Classification: Uncertain significance. Last evaluated: 2025-07-15. Review status: criteria provided, single submitter. Criteria: Invitae Variant Classification Sherloc (09022015). Collection method: clinical testing. Allele origin: germline.
Comment: This sequence change replaces proline, which is neutral and non-polar, with serine, which is neutral and polar, at codon 280 of the LZTR1 protein (p.Pro280Ser). This variant is not present in population databases (gnomAD no frequency). This variant has not been reported in the literature in individuals affected with LZTR1-related conditions. ClinVar contains an entry for this variant (Variation ID: 2005851). Invitae Evidence Modeling of protein sequence and biophysical properties (such as structural, functional, and spatial information, amino acid conservation, physicochemical variation, residue mobility, and thermodynamic stability) indicates that this missense variant is not expected to disrupt LZTR1 protein function with a negative predictive value of 80%. In summary, the available evidence is currently insufficient to determine the role of this variant in disease. Therefore, it has been classified as a Variant of Uncertain Significance.

Blueprint Genetics
Classification: Uncertain significance. Last evaluated: 2024-06-07. Review status: criteria provided, single submitter. Criteria: ACMG Guidelines, 2015. Collection method: clinical testing. Allele origin: germline.

NM_006767.4(LZTR1):c.838C>T (p.Pro280Ser)

Gene: LZTR1 (leucine zipper like post translational regulator 1; plus strand). Cytogenetic location: 22q11.21.
Variant type: single nucleotide variant.
Coding change: c.838C>T on transcript NM_006767.4 (MANE Select); coding-DNA position 838, C replaced by T.
Protein change: p.Pro280Ser; replaces proline 280 with serine.
Molecular consequence: missense variant.
Genome position (GRCh38, 1-based): chr22:20,991,674, C>T. VCF-style: chr22-20991674-C-T. GRCh37 (hg19) VCF-style: chr22-21345963-C-T.
Other names: c.838C>T (NM_006767.3); short protein forms P280S.
Identifiers: ClinVar variation 2005851 (VCV002005851.6), dbSNP rs2518617041, ClinGen allele CA410781205.